The following is an entry in ClinVar:

ClinVar aggregate classification (germline): Uncertain significance (1 of 4 stars; one submission).

Conditions:
Arrhythmogenic right ventricular dysplasia 10. Also called: Arrhythmogenic right ventricular dysplasia/cardiomyopathy, type 10; Arrhythmogenic Right Ventricular Dysplasia/Cardiomyopathy10; ARRHYTHMOGENIC RIGHT VENTRICULAR DYSPLASIA, FAMILIAL, 10. Identifiers: MedGen C1857777, MONDO:0012434, OMIM 610193.

Submission:

Labcorp Genetics (formerly Invitae), Labcorp
Classification: Uncertain significance for Arrhythmogenic right ventricular dysplasia 10. Last evaluated: 2025-06-20. Review status: criteria provided, single submitter. Criteria: Invitae Variant Classification Sherloc (09022015). Collection method: clinical testing. Allele origin: germline.
Comment: This sequence change replaces aspartic acid, which is acidic and polar, with glutamic acid, which is acidic and polar, at codon 154 of the DSG2 protein (p.Asp154Glu). This variant is not present in population databases (gnomAD no frequency). This missense change has been observed in individual(s) with clinical features of DSG2-related condition (PMID: 17105751). It has also been observed to segregate with disease in related individuals. ClinVar contains an entry for this variant (Variation ID: 2767204). Invitae Evidence Modeling of protein sequence and biophysical properties (such as structural, functional, and spatial information, amino acid conservation, physicochemical variation, residue mobility, and thermodynamic stability) has been performed for this missense variant. However, the output from this modeling did not meet the statistical confidence thresholds required to predict the impact of this variant on DSG2 protein function. Experimental studies have shown that this missense change affects DSG2 function (PMID: 29062102, 30885746). In summary, the available evidence is currently insufficient to determine the role of this variant in disease. Therefore, it has been classified as a Variant of Uncertain Significance.

Literature cited by the submitters: PubMed 17105751; PubMed 29062102; PubMed 30885746.

NM_001943.5(DSG2):c.462C>G (p.Asp154Glu)

Gene: DSG2 (desmoglein 2; plus strand). Cytogenetic location: 18q12.1.
Variant type: single nucleotide variant.
Coding change: c.462C>G on transcript NM_001943.5 (MANE Select); coding-DNA position 462, C replaced by G.
Protein change: p.Asp154Glu; replaces aspartic acid 154 with glutamic acid.
Molecular consequence: missense variant.
Genome position (GRCh38, 1-based): chr18:31,521,182, C>G. VCF-style: chr18-31521182-C-G. GRCh37 (hg19) VCF-style: chr18-29101145-C-G.
Other names: short protein forms D154E.
Identifiers: ClinVar variation 2767204 (VCV002767204.3), dbSNP rs2073125869, ClinGen allele CA402132208.
Genomic context (GRCh38, chr18:31,521,182, plus strand): 5'-AAGAGGAAACAATGTAGAGAAACCCTTAGAGCTACGCATTAAGGTTCTTGATATCAATGA[C>G]AACGAACCAGTGTTCACACAGGATGTCTTTGTTGGGTCTGTTGAAGAGTTGAGTGCAGCA-3'
Protein context (NP_001934.2, residues 144-164): ELRIKVLDIN[Asp154Glu]NEPVFTQDVF